The following is an entry in ClinVar:

NM_005228.5(EGFR):c.216del (p.Asn73fs)

Gene: EGFR (epidermal growth factor receptor; plus strand). Cytogenetic location: 7p11.2.
Variant type: Deletion.
Coding change: c.216del on transcript NM_005228.5 (MANE Select); coding-DNA position 216, one base deleted (G; older notation c.216delG).
Protein change: p.Asn73fs; shifts the reading frame from asparagine 73.
Molecular consequence: frameshift variant. On other transcripts: intron variant (1).
Genome position (GRCh38, 1-based): chr7:55,142,413, G deleted; the last of 2 consecutive G bases (chr7:55,142,412-55,142,413); deleting either gives the same sequence. VCF-style (leftmost placement, unchanged base first): chr7-55142411-AG-A. GRCh37 (hg19) VCF-style: chr7-55210104-AG-A.
Other names: c.216del, p.Asn73fs (NM_001346897.2, NM_001346898.2, NM_001346899.2 and 3 more transcripts); c.57del, p.Asn20fs (NM_001346900.2); c.89-13417del (NM_001346941.2); short protein forms N73fs, N20fs.
Identifiers: ClinVar variation 4721777 (VCV004721777.1).
Genomic context (GRCh38, chr7:55,142,411, plus strand): 5'-CAGAGGATGTTCAATAACTGTGAGGTGGTCCTTGGGAATTTGGAAATTACCTATGTGCAG[AG>A]GAATTATGATCTTTCCTTCTTAAAGGTTGGTGACTTTGATTTTCCTACACAAATAAAATT-3'

ClinVar aggregate classification (germline): Pathogenic (1 of 4 stars; one submission).

Conditions:
EGFR-related lung cancer (EGFR). Identifiers: MedGen CN130014.

Submission:

Labcorp Genetics (formerly Invitae), Labcorp
Classification: Pathogenic for EGFR-related lung cancer. Last evaluated: 2025-06-20. Review status: criteria provided, single submitter. Criteria: Invitae Variant Classification Sherloc (09022015). Collection method: clinical testing. Allele origin: germline.
Comment: This sequence change creates a premature translational stop signal (p.Asn73Ilefs*7) in the EGFR gene. It is expected to result in an absent or disrupted protein product. Loss-of-function variants in EGFR are known to be pathogenic (PMID: 7630400, 28726809, 29899996). This variant is not present in population databases (gnomAD no frequency). This variant has not been reported in the literature in individuals affected with EGFR-related conditions. For these reasons, this variant has been classified as Pathogenic.

Literature cited by the submitters: PubMed 7630400; PubMed 28726809; PubMed 29899996.